The following is an entry in ClinVar:

ClinVar aggregate classification (germline): Conflicting classifications of pathogenicity. Review status: criteria provided, conflicting classifications (1 of 4 stars). 3 submissions from 3 submitters: Uncertain significance (2); Likely benign (1). Last evaluated 2025-07-31.

Allele frequency attached by ClinVar (database versions not stated): gnomAD exomes 0.00010; TOPMed 0.00014; gnomAD 0.00015 and 0.00016; ExAC 0.00016; ESP Exome Variant Server 0.00016.
gnomAD v4.1: 311 of 1,601,298 alleles (0.019%); highest among the groups gnomAD compares: Non-Finnish European, 0.025%; no homozygotes.

Submissions (3):

Labcorp Genetics (formerly Invitae), Labcorp
Classification: Uncertain significance. Last evaluated: 2025-07-31. Review status: criteria provided, single submitter. Criteria: Invitae Variant Classification Sherloc (09022015). Collection method: clinical testing. Allele origin: germline.
Comment: This sequence change replaces proline, which is neutral and non-polar, with leucine, which is neutral and non-polar, at codon 14 of the RINT1 protein (p.Pro14Leu). This variant is present in population databases (rs201898612, gnomAD 0.02%). This missense change has been observed in individual(s) with breast and/or ovarian cancer and melanoma (PMID: 27544226, 31567591). ClinVar contains an entry for this variant (Variation ID: 410798). An algorithm developed to predict the effect of missense changes on protein structure and function outputs the following: PolyPhen-2: "Benign". The leucine amino acid residue is found in multiple mammalian species, which suggests that this missense change does not adversely affect protein function. In summary, the available evidence is currently insufficient to determine the role of this variant in disease. Therefore, it has been classified as a Variant of Uncertain Significance.

Institute for Clinical Genetics, University Hospital TU Dresden, University Hospital TU Dresden
Classification: Uncertain significance. Last evaluated: 2021-11-03. Review status: criteria provided, single submitter. Criteria: ACMG Guidelines, 2015. Collection method: clinical testing. Allele origin: germline.

Ambry Genetics
Classification: Likely benign. Last evaluated: 2020-08-26. Review status: criteria provided, single submitter. Criteria: Ambry Variant Classification Scheme 2023. Collection method: clinical testing. Allele origin: germline.

Literature cited by the submitters: PubMed 27544226 (cited by Labcorp Genetics (formerly Invitae), Labcorp); PubMed 31567591 (cited by Labcorp Genetics (formerly Invitae), Labcorp).

NM_021930.6(RINT1):c.41C>T (p.Pro14Leu)

Gene: RINT1 (RAD50 interactor 1; plus strand). Cytogenetic location: 7q22.3.
Variant type: single nucleotide variant.
Coding change: c.41C>T on transcript NM_021930.6 (MANE Select); coding-DNA position 41, C replaced by T.
Protein change: p.Pro14Leu; replaces proline 14 with leucine.
Molecular consequence: missense variant. On other transcripts: 5 prime UTR variant (4), non-coding transcript variant (1).
Genome position (GRCh38, 1-based): chr7:105,532,356, C>T. VCF-style: chr7-105532356-C-T. GRCh37 (hg19) VCF-style: chr7-105172803-C-T.
Other names: c.-57C>T (NM_001346599.2); c.-979C>T (NM_001346600.2); c.-882C>T (NM_001346601.2); c.-502C>T (NM_001346603.2); short protein forms P14L.
Identifiers: ClinVar variation 410798 (VCV000410798.13), dbSNP rs201898612, ClinGen allele CA4426309.
Genomic context (GRCh38, chr7:105,532,356, plus strand): 5'-AGGACTCGCGCGGAGGCGAGATGCTACCAGCCGGCGAGATCGGCGCCTCTCCTGCAGCCC[C>T]GGTGAGACGGCCCTGGCGTCCCTGGGAGGGGACATTGGTGGCCCATTGAGGTGGCACAGA-3'
Protein context (NP_068749.3, residues 4-24): AGEIGASPAA[Pro14Leu]CCSESGDERK